The following is an entry in ClinVar:

ClinVar aggregate classification (germline): Uncertain significance. Review status: criteria provided, multiple submitters, no conflicts (2 of 4 stars). 2 submissions from 2 submitters: Uncertain significance (2). Last evaluated 2024-03-07.

Conditions:
Hereditary cancer-predisposing syndrome. Also called: Tumor predisposition; Neoplastic Syndromes, Hereditary; Hereditary neoplastic syndrome; Hereditary Cancer Syndrome. Identifiers: Orphanet 140162, MedGen C0027672, MeSH D009386, MONDO:0015356.
Ataxia-telangiectasia syndrome (AT). Also called: Ataxia-telangiectasia, complementation group D; AT, COMPLEMENTATION GROUP C; ATAXIA-TELANGIECTASIA, COMPLEMENTATION GROUP A; ATAXIA-TELANGIECTASIA, FRESNO VARIANT; Ataxia-telangiectasia; Ataxia telangiectasia (A-T). Identifiers: Orphanet 100, MedGen C0004135, MONDO:0008840, OMIM 208900.

Submissions (2):

Labcorp Genetics (formerly Invitae), Labcorp
Classification: Uncertain significance for Ataxia-telangiectasia syndrome. Last evaluated: 2024-03-07. Review status: criteria provided, single submitter. Criteria: Invitae Variant Classification Sherloc (09022015). Collection method: clinical testing. Allele origin: germline.
Comment: This sequence change falls in intron 59 of the ATM gene. It does not directly change the encoded amino acid sequence of the ATM protein. It affects a nucleotide within the consensus splice site. This variant is not present in population databases (gnomAD no frequency). This variant has not been reported in the literature in individuals affected with ATM-related conditions. ClinVar contains an entry for this variant (Variation ID: 934901). Variants that disrupt the consensus splice site are a relatively common cause of aberrant splicing (PMID: 17576681, 9536098). Algorithms developed to predict the effect of sequence changes on RNA splicing suggest that this variant is not likely to affect RNA splicing. In summary, the available evidence is currently insufficient to determine the role of this variant in disease. Therefore, it has been classified as a Variant of Uncertain Significance.

Ambry Genetics
Classification: Uncertain significance for Hereditary cancer-predisposing syndrome. Last evaluated: 2021-01-27. Review status: criteria provided, single submitter. Criteria: Ambry Variant Classification Scheme 2023. Collection method: clinical testing. Allele origin: germline.
Comment: The c.8671+4A>C intronic variant results from an A to C substitution 4 nucleotides after coding exon 58 in the ATM gene. This nucleotide position is well conserved in available vertebrate species. In silico splice site analysis predicts that this alteration will not have any significant effect on splicing. Since supporting evidence is limited at this time, the clinical significance of this alteration remains unclear.

Literature cited by the submitters: PubMed 17576681 (cited by Labcorp Genetics (formerly Invitae), Labcorp); PubMed 9536098 (cited by Labcorp Genetics (formerly Invitae), Labcorp).

NM_000051.4(ATM):c.8671+4A>C

Genes: ATM (ATM serine/threonine kinase; plus strand), C11orf65 (chromosome 11 open reading frame 65; minus strand). Cytogenetic location: 11q22.3.
Variant type: single nucleotide variant.
Coding change: c.8671+4A>C on transcript NM_000051.4 (MANE Select); 4 bases into the intron after coding-DNA position 8671, A replaced by C.
Molecular consequence: intron variant.
Genome position (GRCh38, 1-based): chr11:108,347,369, A>C. VCF-style: chr11-108347369-A-C. GRCh37 (hg19) VCF-style: chr11-108218096-A-C.
Other names: c.8671+4A>C (NM_001351834.2); c.641-38298T>G (NM_001330368.2); c.695-12077T>G (NM_001351110.2).
Identifiers: ClinVar variation 934901 (VCV000934901.8), dbSNP rs876660652, ClinGen allele CA1139662204.
Genomic context (GRCh38, chr11:108,347,369, plus strand): 5'-ATGTACAGAATATCTTGATAAATGAGCAGTCAGCAGAACTTGTACATATAGATCTAGGTA[A>C]GTAATAAAATCTATGTATCTATTCTTTTTAGTAAATATTTGGTCATCATGGAATGTTGTT-3'